The following is an entry in ClinVar:

ClinVar aggregate classification (germline): Uncertain significance (1 of 4 stars; one submission).

Conditions:
Primary ciliary dyskinesia 19. Also called: CILIARY DYSKINESIA, PRIMARY, 19, WITH OR WITHOUT SITUS INVERSUS. Identifiers: Orphanet 244, MedGen C3543826, MONDO:0013979, OMIM 614935.

Allele frequency attached by ClinVar (database versions not stated): ExAC 0.00001; gnomAD 0.00001; TOPMed 0.00002.
gnomAD v4.1: 68 of 1,608,918 alleles (0.0042%); highest among the groups gnomAD compares: Non-Finnish European, 0.0057%; no homozygotes.

Submission:

Labcorp Genetics (formerly Invitae), Labcorp
Classification: Uncertain significance for Primary ciliary dyskinesia 19. Last evaluated: 2022-02-11. Review status: criteria provided, single submitter. Criteria: Invitae Variant Classification Sherloc (09022015). Collection method: clinical testing. Allele origin: germline.
Comment: This variant has not been reported in the literature in individuals affected with LRRC6-related conditions. The frequency data for this variant in the population databases is considered unreliable, as metrics indicate poor data quality at this position in the gnomAD database. This sequence change falls in intron 10 of the LRRC6 gene. It does not directly change the encoded amino acid sequence of the LRRC6 protein. It affects a nucleotide within the consensus splice site. Variants that disrupt the consensus splice site are a relatively common cause of aberrant splicing (PMID: 17576681, 9536098). Algorithms developed to predict the effect of sequence changes on RNA splicing suggest that this variant is not likely to affect RNA splicing. In summary, the available evidence is currently insufficient to determine the role of this variant in disease. Therefore, it has been classified as a Variant of Uncertain Significance.

Literature cited by the submitters: PubMed 17576681; PubMed 9536098.

NM_012472.6(DNAAF11):c.1140+6T>A

Gene: DNAAF11 (dynein axonemal assembly factor 11; minus strand). Cytogenetic location: 8q24.22.
Variant type: single nucleotide variant.
Coding change: c.1140+6T>A on transcript NM_012472.6 (MANE Select); 6 bases into the intron after coding-DNA position 1140, T replaced by A.
Molecular consequence: intron variant.
Genome position (GRCh38, 1-based): chr8:132,610,160, A>T on the plus strand (T>A on the coding strand, the complement: DNAAF11 is on the minus strand). VCF-style: chr8-132610160-A-T. GRCh37 (hg19) VCF-style: chr8-133622406-A-T.
Other names: c.894+6T>A (NM_001321962.2); c.1080+6T>A (NM_001321961.2); c.720+6T>A (NM_001321966.2); c.780+6T>A (NM_001321963.2, NM_001321964.2, NM_001321965.2).
Identifiers: ClinVar variation 2138229 (VCV002138229.3), dbSNP rs773041232, ClinGen allele CA4881160.
Genomic context (GRCh38, chr8:132,610,160, plus strand): 5'-ACAGGTCAAGTTCCTTCAGGAACCCTCATATCCAGACTTGAAATTGACCCAAATGACATG[A>T]CCTACCTTGGGCATGCAGATGACCAAATGACCCGTTGTCTGAGATCTTTTAGCAGAACTA-3'